The following is an entry in ClinVar:

ClinVar aggregate classification (germline): Uncertain significance (1 of 4 stars; one submission).

Submission:

GeneDx
Classification: Uncertain significance. Last evaluated: 2022-10-06. Review status: criteria provided, single submitter. Criteria: GeneDx Variant Classification Process June 2021. Collection method: clinical testing. Allele origin: germline. Affected: yes.
Comment: Not observed at significant frequency in large population cohorts (gnomAD); In silico analysis supports that this missense variant has a deleterious effect on protein structure/function; Has not been previously published as pathogenic or benign to our knowledge

NM_001080510.5(METTL23):c.403A>G (p.Arg135Gly)

Gene: METTL23 (methyltransferase 23, arginine; plus strand). Cytogenetic location: 17q25.1.
Variant type: single nucleotide variant.
Coding change: c.403A>G on transcript NM_001080510.5 (MANE Select); coding-DNA position 403, A replaced by G.
Protein change: p.Arg135Gly; replaces arginine 135 with glycine.
Molecular consequence: missense variant. On other transcripts: non-coding transcript variant (1).
Genome position (GRCh38, 1-based): chr17:76,733,373, A>G. VCF-style: chr17-76733373-A-G. GRCh37 (hg19) VCF-style: chr17-74729455-A-G.
Other names: c.403A>G, p.Arg135Gly (NM_001206983.3, NM_001206984.3, NM_001302703.2 and 2 more transcripts); c.202A>G, p.Arg68Gly (NM_001206985.3, NM_001206986.3, NM_001206987.3 and 2 more transcripts); c.391A>G, p.Arg131Gly (NM_001302705.2, NM_001378350.1, NM_001378351.1 and 2 more transcripts); short protein forms R131G, R135G, R68G.
Identifiers: ClinVar variation 2498030 (VCV002498030.1), dbSNP rs2509731871, ClinGen allele CA401188347.